The following is an entry in ClinVar:

NM_025114.4(CEP290):c.3593C>T (p.Ser1198Leu)

Gene: CEP290 (centrosomal protein 290; minus strand). Cytogenetic location: 12q21.32.
Variant type: single nucleotide variant.
Coding change: c.3593C>T on transcript NM_025114.4 (MANE Select); coding-DNA position 3593, C replaced by T.
Protein change: p.Ser1198Leu; replaces serine 1198 with leucine.
Molecular consequence: missense variant.
Genome position (GRCh38, 1-based): chr12:88,089,468, G>A on the plus strand (C>T on the coding strand, the complement: CEP290 is on the minus strand). VCF-style: chr12-88089468-G-A. GRCh37 (hg19) VCF-style: chr12-88483245-G-A.
Other names: p.Ser1198Leu; short protein forms S1198L.
Identifiers: ClinVar variation 421751 (VCV000421751.54), dbSNP rs372640024, ClinGen allele CA6712110.
Genomic context (GRCh38, chr12:88,089,468, plus strand): 5'-AGAGCAGTAGCCTCACTCAGTTGAAGAGAGACATTATGTTGGTGCAACTTGGCAATGAGC[G>A]ACTTTTCATCAGACTGTGCCTGATATTAAAAAAAATATATATTTGTAGTAAGTTTCAAAT-3'
Protein context (NP_079390.3, residues 1188-1208): LDYQAQSDEK[Ser1198Leu]LIAKLHQHNV

ClinVar aggregate classification (germline): Uncertain significance. Review status: criteria provided, multiple submitters, no conflicts (2 of 4 stars). 10 submissions from 10 submitters: Uncertain significance (9). 1 of the submissions does not count toward it. Last evaluated 2025-03-07.

Conditions:
CEP290-related disorder. Also called: CEP290-related disorders; CEP290-related condition. Identifiers: MedGen CN239314.
Meckel-Gruber syndrome. Also called: DYSENCEPHALIA SPLANCHNOCYSTICA; GRUBER SYNDROME; Dysencephalia splachnocystica. Identifiers: Orphanet 564, MedGen C0265215, MONDO:0018921.
Nephronophthisis. Also called: Juvenile Nephronophthisis. Identifiers: Orphanet 655, MedGen C0687120, MONDO:0019005, HP:0000090.
Joubert syndrome. Also called: JOUBERT-BOLTSHAUSER SYNDROME; Familial aplasia of the vermis. Identifiers: Orphanet 475, MedGen C5979921, MONDO:0018772.
Leber congenital amaurosis 10 (LCA10). Identifiers: Orphanet 65, MedGen C1857821, MONDO:0012723, OMIM 611755.
Meckel syndrome, type 4 (MKS4). Also called: MECKEL-GRUBER SYNDROME, TYPE 4. Identifiers: Orphanet 564, MedGen C1970161, MONDO:0012626, OMIM 611134.
Joubert syndrome 5 (JBTS5). Identifiers: Orphanet 2318, MedGen C1857780, MONDO:0012432, OMIM 610188.
Senior-Loken syndrome 6 (SLSN6). Identifiers: Orphanet 3156, MedGen C1857779, MONDO:0012433, OMIM 610189.
Bardet-Biedl syndrome 14 (BBS14). Identifiers: Orphanet 110, MedGen C2673874, MONDO:0014442, OMIM 615991.
Leber congenital amaurosis (LCA). Also called: Leber's amaurosis. Identifiers: Orphanet 65, MedGen C0339527, MeSH D057130, MONDO:0018998.

Allele frequency attached by ClinVar (database versions not stated): gnomAD 0.00003; TOPMed 0.00003; gnomAD exomes 0.00005 and 0.00009; ExAC 0.00008; ESP Exome Variant Server 0.00008.
gnomAD v4.1: 75 of 1,549,026 alleles (0.0048%); highest among the groups gnomAD compares: Middle Eastern, 0.12%; 1 homozygote.

Submissions (10):

Mayo Clinic Laboratories, Mayo Clinic
Classification: Uncertain significance. Last evaluated: 2025-03-07. Review status: criteria provided, single submitter. Criteria: ACMG Guidelines, 2015. Collection method: clinical testing. Allele origin: germline. Observed: 1 variant allele.
Comment: BP4_moderate, PM2_supporting

Blueprint Genetics
Classification: Uncertain significance. Last evaluated: 2024-08-22. Review status: criteria provided, single submitter. Criteria: ACMG Guidelines, 2015. Collection method: clinical testing. Allele origin: germline.

PreventionGenetics, part of Exact Sciences
Classification: Uncertain significance for CEP290-related condition. Last evaluated: 2023-12-19. Review status: criteria provided, single submitter. Criteria: ACMG Guidelines, 2015. Collection method: clinical testing. Allele origin: germline.
Comment: The CEP290 c.3593C>T variant is predicted to result in the amino acid substitution p.Ser1198Leu. This has been previously observed and reported as a variant of uncertain significance in a cohort of individuals with syndromic/non-syndromic inherited retinal dystrophies and/or optic nerve disorders (Table S12, Diñeiro et al. 2020. PubMed ID: 32483926). This variant is reported in 0.021% of alleles in individuals of Latino descent in gnomAD. At this time, the clinical significance of this variant is uncertain due to the absence of conclusive functional and genetic evidence.

Labcorp Genetics (formerly Invitae), Labcorp
Classification: Uncertain significance for Joubert syndrome; Meckel-Gruber syndrome; Nephronophthisis. Last evaluated: 2022-08-16. Review status: criteria provided, single submitter. Criteria: Invitae Variant Classification Sherloc (09022015). Collection method: clinical testing. Allele origin: germline.
Comment: This sequence change replaces serine, which is neutral and polar, with leucine, which is neutral and non-polar, at codon 1198 of the CEP290 protein (p.Ser1198Leu). This variant is present in population databases (rs372640024, gnomAD 0.02%). This variant has not been reported in the literature in individuals affected with CEP290-related conditions. ClinVar contains an entry for this variant (Variation ID: 421751). Algorithms developed to predict the effect of missense changes on protein structure and function (SIFT, PolyPhen-2, Align-GVGD) all suggest that this variant is likely to be tolerated. In summary, the available evidence is currently insufficient to determine the role of this variant in disease. Therefore, it has been classified as a Variant of Uncertain Significance.

Fulgent Genetics
Classification: Uncertain significance for Joubert syndrome 5; Senior-Loken syndrome 6; Meckel syndrome, type 4; Leber congenital amaurosis 10; Bardet-Biedl syndrome 14. Last evaluated: 2022-04-07. Review status: criteria provided, single submitter. Criteria: ACMG Guidelines, 2015. Collection method: clinical testing. Allele origin: unknown.

Baylor Genetics
Classification: Uncertain significance for Senior-Loken syndrome 6. Last evaluated: 2019-09-22. Review status: criteria provided, single submitter. Criteria: ACMG Guidelines, 2015. Collection method: clinical testing. Allele origin: unknown. Affected: yes.
Comment: This variant was determined to be of uncertain significance according to ACMG Guidelines, 2015 [PMID:25741868].

Revvity Omics, Revvity
Classification: Uncertain significance. Last evaluated: 2019-07-11. Review status: criteria provided, single submitter. Criteria: ACMG Guidelines, 2015. Collection method: clinical testing. Allele origin: germline.

CeGaT Center for Human Genetics Tuebingen
Classification: Uncertain significance. Last evaluated: 2016-10-01. Review status: criteria provided, single submitter. Criteria: CeGaT Center For Human Genetics Tuebingen Variant Classification Criteria Version 2. Collection method: clinical testing. Allele origin: germline. Affected: yes. Observed: 1 variant allele.

GeneDx
Classification: Uncertain significance. Last evaluated: 2016-07-26. Review status: criteria provided, single submitter. Criteria: GeneDx Variant Classification (06012015). Collection method: clinical testing. Allele origin: germline. Affected: yes.
Comment: The S1198L variant in the CEP290 gene has not been reported previously as a pathogenic variant, nor as a benign variant, to our knowledge. The S1198L variant was not observed at any significant frequency in approximately 5900 individuals of European and African American ancestry in the NHLBI Exome Sequencing Project, indicating it is not a common benign variant in these populations. The S1198L variant is a non-conservative amino acid substitution, which is likely to impact secondary protein structure as these residues differ in polarity, charge, size and/or other properties. This substitution occurs at a position that is not conserved. In silico analysis is inconsistent in its predictions as to whether or not the variant is damaging to the protein structure/function. We interpret S1198L as a variant of uncertain significance.

Natera, Inc.
Classification: Uncertain significance for Leber congenital amaurosis. Last evaluated: 2020-02-26. Review status: no assertion criteria provided. Collection method: clinical testing. Allele origin: germline. Not counted in ClinVar's aggregate classification.

Literature cited by the submitters: PubMed 32483926 (cited by Mayo Clinic Laboratories, Mayo Clinic).